The following is an entry in ClinVar:

NM_005751.5(AKAP9):c.4726G>A (p.Ala1576Thr)

Gene: AKAP9 (A-kinase anchoring protein 9; plus strand). Cytogenetic location: 7q21.2.
Variant type: single nucleotide variant.
Coding change: c.4726G>A on transcript NM_005751.5 (MANE Select); coding-DNA position 4726, G replaced by A.
Protein change: p.Ala1576Thr; replaces alanine 1576 with threonine.
Molecular consequence: missense variant.
Genome position (GRCh38, 1-based): chr7:92,040,707, G>A. VCF-style: chr7-92040707-G-A. GRCh37 (hg19) VCF-style: chr7-91670021-G-A.
Other names: c.4726G>A, p.Ala1576Thr (NM_147185.3); short protein forms A1576T.
Identifiers: ClinVar variation 648998 (VCV000648998.1), dbSNP rs868279502, ClinGen allele CA161896936.

ClinVar aggregate classification (germline): Uncertain significance (1 of 4 stars; one submission).

Conditions:
Long QT syndrome (LQTS). Identifiers: MedGen C0023976, MeSH D008133, MONDO:0002442. Disease mechanism: loss of function. Inheritance: Various modes of inheritance.

Allele frequency attached by ClinVar (database versions not stated): gnomAD exomes below 0.00001.
gnomAD v4.1: 1 of 1,605,502 alleles (0.000062%); highest among the groups gnomAD compares: Middle Eastern, 0.017%; no homozygotes.

Submission:

Labcorp Genetics (formerly Invitae), Labcorp
Classification: Uncertain significance for Long QT syndrome. Last evaluated: 2018-09-28. Review status: criteria provided, single submitter. Criteria: Invitae Variant Classification Sherloc (09022015). Collection method: clinical testing. Allele origin: germline.
Comment: This sequence change replaces alanine with threonine at codon 1576 of the AKAP9 protein (p.Ala1576Thr). The alanine residue is weakly conserved and there is a small physicochemical difference between alanine and threonine. This variant is not present in population databases (ExAC no frequency). This variant has not been reported in the literature in individuals with AKAP9-related disease. Algorithms developed to predict the effect of missense changes on protein structure and function output the following: SIFT: "Tolerated"; PolyPhen-2: "Benign"; Align-GVGD: "Class C0". The threonine amino acid residue is found in multiple mammalian species, suggesting that this missense change does not adversely affect protein function. These predictions have not been confirmed by published functional studies and their clinical significance is uncertain. In summary, the available evidence is currently insufficient to determine the role of this variant in disease. Therefore, it has been classified as a Variant of Uncertain Significance.